The following is an entry in ClinVar:

ClinVar aggregate classification (germline): Uncertain significance. Review status: criteria provided, multiple submitters, no conflicts (2 of 4 stars). 3 submissions from 3 submitters: Uncertain significance (3). Last evaluated 2025-09-26.

Conditions:
Inborn genetic diseases. Identifiers: MedGen C0950123, MeSH D030342.

Allele frequency attached by ClinVar (database versions not stated): gnomAD exomes 0.00001; ExAC 0.00004.
gnomAD v4.1: 17 of 1,568,002 alleles (0.0011%); highest among the groups gnomAD compares: Non-Finnish European, 0.0014%; no homozygotes.

Submissions (3):

Ambry Genetics
Classification: Uncertain significance for Inborn genetic diseases. Last evaluated: 2025-09-26. Review status: criteria provided, single submitter. Criteria: Ambry Variant Classification Scheme 2023. Collection method: clinical testing. Allele origin: germline.

Blueprint Genetics
Classification: Uncertain significance. Last evaluated: 2024-01-11. Review status: criteria provided, single submitter. Criteria: ACMG Guidelines, 2015. Collection method: clinical testing. Allele origin: germline.

Labcorp Genetics (formerly Invitae), Labcorp
Classification: Uncertain significance. Last evaluated: 2022-04-04. Review status: criteria provided, single submitter. Criteria: Invitae Variant Classification Sherloc (09022015). Collection method: clinical testing. Allele origin: germline.
Comment: The frequency data for this variant in the population databases is considered unreliable, as metrics indicate poor data quality at this position in the gnomAD database. In summary, the available evidence is currently insufficient to determine the role of this variant in disease. Therefore, it has been classified as a Variant of Uncertain Significance. Algorithms developed to predict the effect of missense changes on protein structure and function (SIFT, PolyPhen-2, Align-GVGD) all suggest that this variant is likely to be disruptive. This variant has not been reported in the literature in individuals affected with ARHGEF18-related conditions. This sequence change replaces glycine, which is neutral and non-polar, with arginine, which is basic and polar, at codon 984 of the ARHGEF18 protein (p.Gly984Arg).

NM_001367823.1(ARHGEF18):c.3514G>A (p.Gly1172Arg)

Gene: ARHGEF18 (Rho/Rac guanine nucleotide exchange factor 18; plus strand). Cytogenetic location: 19p13.2.
Variant type: single nucleotide variant.
Coding change: c.3514G>A on transcript NM_001367823.1 (MANE Select); coding-DNA position 3514, G replaced by A.
Protein change: p.Gly1172Arg; replaces glycine 1172 with arginine.
Molecular consequence: missense variant.
Genome position (GRCh38, 1-based): chr19:7,468,858, G>A. VCF-style: chr19-7468858-G-A. GRCh37 (hg19) VCF-style: chr19-7533744-G-A.
Other names: c.2788G>A, p.Gly930Arg (NM_001130955.2); c.2476G>A, p.Gly826Arg (NM_001367824.1, NM_015318.4); c.2950G>A (NM_001130955.1); short protein forms G826R, G1172R, G930R.
Identifiers: ClinVar variation 1936787 (VCV001936787.7), dbSNP rs760834621, ClinGen allele CA9137161.